The following is an entry in ClinVar:

NM_000264.5(PTCH1):c.1642G>T (p.Val548Leu)

Gene: PTCH1 (patched 1; minus strand). Cytogenetic location: 9q22.32.
Variant type: single nucleotide variant.
Coding change: c.1642G>T on transcript NM_000264.5 (MANE Select); coding-DNA position 1642, G replaced by T.
Protein change: p.Val548Leu; replaces valine 548 with leucine.
Molecular consequence: missense variant. On other transcripts: non-coding transcript variant (1).
Genome position (GRCh38, 1-based): chr9:95,476,120, C>A on the plus strand (G>T on the coding strand, the complement: PTCH1 is on the minus strand). VCF-style: chr9-95476120-C-A. GRCh37 (hg19) VCF-style: chr9-98238402-C-A.
Other names: c.1444G>T, p.Val482Leu (NM_001083602.3); c.1639G>T, p.Val547Leu (NM_001083603.3); c.1189G>T, p.Val397Leu (NM_001083604.3, NM_001083605.3, NM_001083606.3 and 1 more transcripts); c.1486G>T, p.Val496Leu (NM_001354918.2); short protein forms V482L, V397L, V547L, V548L, V496L.
Identifiers: ClinVar variation 2140774 (VCV002140774.5), dbSNP rs575035810, ClinGen allele CA196592335.

ClinVar aggregate classification (germline): Uncertain significance. Review status: criteria provided, multiple submitters, no conflicts (2 of 4 stars). 2 submissions from 2 submitters: Uncertain significance (2). Last evaluated 2025-02-25.

Conditions:
Gorlin syndrome. Also called: Basal cell nevus syndrome; Nevoid Basal Cell Carcinoma Syndrome. Identifiers: Orphanet 377, MedGen C0004779, MONDO:0007187.
Hereditary cancer-predisposing syndrome. Also called: Tumor predisposition; Hereditary Cancer Syndrome; Hereditary neoplastic syndrome; Neoplastic Syndromes, Hereditary. Identifiers: Orphanet 140162, MedGen C0027672, MeSH D009386, MONDO:0015356.

Submissions (2):

Labcorp Genetics (formerly Invitae), Labcorp
Classification: Uncertain significance for Gorlin syndrome. Last evaluated: 2025-02-25. Review status: criteria provided, single submitter. Criteria: Invitae Variant Classification Sherloc (09022015). Collection method: clinical testing. Allele origin: germline.
Comment: This sequence change replaces valine, which is neutral and non-polar, with leucine, which is neutral and non-polar, at codon 548 of the PTCH1 protein (p.Val548Leu). This variant is not present in population databases (gnomAD no frequency). This variant has not been reported in the literature in individuals affected with PTCH1-related conditions. ClinVar contains an entry for this variant (Variation ID: 2140774). Invitae Evidence Modeling of protein sequence and biophysical properties (such as structural, functional, and spatial information, amino acid conservation, physicochemical variation, residue mobility, and thermodynamic stability) has been performed for this missense variant. However, the output from this modeling did not meet the statistical confidence thresholds required to predict the impact of this variant on PTCH1 protein function. In summary, the available evidence is currently insufficient to determine the role of this variant in disease. Therefore, it has been classified as a Variant of Uncertain Significance.

Ambry Genetics
Classification: Uncertain significance for Hereditary cancer-predisposing syndrome. Last evaluated: 2024-08-21. Review status: criteria provided, single submitter. Criteria: Ambry Variant Classification Scheme 2023. Collection method: clinical testing. Allele origin: germline.
Comment: The p.V548L variant (also known as c.1642G>T), located in coding exon 12 of the PTCH1 gene, results from a G to T substitution at nucleotide position 1642. The valine at codon 548 is replaced by leucine, an amino acid with highly similar properties. This amino acid position is conserved. In addition, this alteration is predicted to be deleterious by in silico analysis. Based on the available evidence, the clinical significance of this variant remains unclear.